The following is an entry in ClinVar:

ClinVar aggregate classification (germline): Pathogenic (1 of 4 stars; one submission).

Allele frequency attached by ClinVar (database versions not stated): gnomAD exomes below 0.00001; ExAC 0.00001.

Submission:

Labcorp Genetics (formerly Invitae), Labcorp
Classification: Pathogenic. Last evaluated: 2020-08-08. Review status: criteria provided, single submitter. Criteria: Invitae Variant Classification Sherloc (09022015). Collection method: clinical testing. Allele origin: germline.
Comment: For these reasons, this variant has been classified as Pathogenic. Loss-of-function variants in TUBGCP6 are known to be pathogenic (PMID: 25344692). This variant has not been reported in the literature in individuals with TUBGCP6-related conditions. This variant is present in population databases (rs766653635, ExAC 0.009%). This sequence change creates a premature translational stop signal (p.Trp1131*) in the TUBGCP6 gene. It is expected to result in an absent or disrupted protein product.

Literature cited by the submitters: PubMed 25344692.

NM_020461.4(TUBGCP6):c.3392G>A (p.Trp1131Ter)

Gene: TUBGCP6 (tubulin gamma complex component 6; minus strand). Cytogenetic location: 22q13.33.
Variant type: single nucleotide variant.
Coding change: c.3392G>A on transcript NM_020461.4 (MANE Select); coding-DNA position 3392, G replaced by A.
Protein change: p.Trp1131Ter; replaces tryptophan 1131 with a stop codon.
Molecular consequence: nonsense.
Genome position (GRCh38, 1-based): chr22:50,220,967, C>T on the plus strand (G>A on the coding strand, the complement: TUBGCP6 is on the minus strand). VCF-style: chr22-50220967-C-T. GRCh37 (hg19) VCF-style: chr22-50659396-C-T.
Other names: short protein forms W1131*.
Identifiers: ClinVar variation 1075852 (VCV001075852.7), dbSNP rs766653635, ClinGen allele CA10307962.